The following is an entry in ClinVar:

NM_017947.4(MOCOS):c.615C>A (p.Asn205Lys)

Gene: MOCOS (molybdenum cofactor sulfurase; plus strand). Cytogenetic location: 18q12.2.
Variant type: single nucleotide variant.
Coding change: c.615C>A on transcript NM_017947.4 (MANE Select); coding-DNA position 615, C replaced by A.
Protein change: p.Asn205Lys; replaces asparagine 205 with lysine.
Molecular consequence: missense variant.
Genome position (GRCh38, 1-based): chr18:36,199,998, C>A. VCF-style: chr18-36199998-C-A. GRCh37 (hg19) VCF-style: chr18-33779961-C-A.
Other names: short protein forms N205K.
Identifiers: ClinVar variation 3188748 (VCV003188748.2), dbSNP rs766555023, ClinGen allele CA8940467.
Genomic context (GRCh38, chr18:36,199,998, plus strand): 5'-TTCAGCCAGCAACCCAGACTGCCAGCTGCCGCATCTCTTCTGCTACCCAGCTCAGAGTAA[C>A]TTTTCTGGAGTCAGATACCCCCTGTCCTGGATAGAAGAGGTCAAGTCTGGGCGGTTGCAC-3'
Protein context (NP_060417.4, residues 195-215): PHLFCYPAQS[Asn205Lys]FSGVRYPLSW

ClinVar aggregate classification (germline): Uncertain significance. Review status: criteria provided, multiple submitters, no conflicts (2 of 4 stars). 2 submissions from 2 submitters: Uncertain significance (2). Last evaluated 2023-11-27.

Conditions:
Xanthinuria type II. Also called: Xanthine dehydrogenase and aldehyde oxidase combined deficiency of; XDH and AOX dual deficiency. Identifiers: Orphanet 3467, Orphanet 93602, MedGen C1863688, MONDO:0011346, OMIM 603592.

Allele frequency attached by ClinVar (database versions not stated): ExAC 0.00001; gnomAD exomes below 0.00001.
gnomAD v4.1: 1 of 1,614,246 alleles (0.000062%); highest among the groups gnomAD compares: East Asian, 0.0022%; no homozygotes.

Submissions (2):

Ambry Genetics
Classification: Uncertain significance. Last evaluated: 2023-11-27. Review status: criteria provided, single submitter. Criteria: Ambry Variant Classification Scheme 2023. Collection method: clinical testing. Allele origin: germline.

Department of Nephrology, The First Affiliated Hospital of Xiamen University
Classification: Uncertain significance for Xanthinuria type II. Review status: criteria provided, single submitter. Criteria: ACMG Guidelines, 2015. Collection method: provider interpretation. Allele origin: germline. Inheritance: Autosomal recessive inheritance. Affected: yes. Observed: 1 variant allele, 1 compound heterozygote.
Comment: The MOCOS c.615C>A (p.Asn205Lys) variant is a missense variant. Its allele frequency is 0.00001193 in gnomAD v2.1.1. According to ACMG 2015 guidelines, this variant is classified as Variant of Uncertain Significance (VUS) (PM1, PM2_Supporting, PP3).